The following is an entry in ClinVar:

ClinVar aggregate classification (germline): Conflicting classifications of pathogenicity. Review status: criteria provided, conflicting classifications (1 of 4 stars). 7 submissions from 7 submitters: Pathogenic (1); Uncertain significance (5). 1 of the submissions does not count toward it. Last evaluated 2025-11-24.

Conditions:
WFS1-related disorder. Identifiers: MedGen CN379391, MONDO:0700293.
Wolfram-like syndrome. Also called: HEARING LOSS, PROGRESSIVE, WITH OPTIC ATROPHY AND/OR IMPAIRED GLUCOSE REGULATION. Identifiers: Orphanet 411590, MedGen C3280358, MONDO:0013673, OMIM 614296.
Wolfram syndrome 1 (WFS1). Identifiers: Orphanet 3463, MedGen C4551693, MONDO:0009101, OMIM 222300.
Autosomal dominant nonsyndromic hearing loss 6 (LFSNHL). Also called: Autosomal dominant nonsyndromic deafness 6; DEAFNESS, AUTOSOMAL DOMINANT 6; DEAFNESS, AUTOSOMAL DOMINANT 14; DEAFNESS, AUTOSOMAL DOMINANT 38. Identifiers: Orphanet 90635, MedGen C1833021, MONDO:0010963, OMIM 600965.
Type 2 diabetes mellitus. Also called: Type II diabetes mellitus. Identifiers: MedGen C0011860, MeSH D003924, MONDO:0005148, OMIM 125853, HP:0005978.
Cataract 41 (CTRCT41). Also called: CATARACT 41, CONGENITAL NUCLEAR TYPE. Identifiers: Orphanet 91492, Orphanet 98991, Orphanet 98992, Orphanet 98995, MedGen C3805412, MONDO:0007287, OMIM 116400.

Allele frequency attached by ClinVar (database versions not stated): gnomAD 0.00001; gnomAD exomes 0.00001.

Submissions (7):

Labcorp Genetics (formerly Invitae), Labcorp
Classification: Uncertain significance. Last evaluated: 2025-11-24. Review status: criteria provided, single submitter. Criteria: Invitae Variant Classification Sherloc (09022015). Collection method: clinical testing. Allele origin: germline.
Comment: This sequence change replaces valine, which is neutral and non-polar, with methionine, which is neutral and non-polar, at codon 288 of the WFS1 protein (p.Val288Met). This variant is present in population databases (rs71537685, gnomAD 0.004%). This variant has not been reported in the literature in individuals affected with WFS1-related conditions. ClinVar contains an entry for this variant (Variation ID: 191322). An algorithm developed to predict the effect of missense changes on protein structure and function outputs the following: PolyPhen-2: "Benign". The methionine amino acid residue is found in multiple mammalian species, which suggests that this missense change does not adversely affect protein function. In summary, the available evidence is currently insufficient to determine the role of this variant in disease. Therefore, it has been classified as a Variant of Uncertain Significance.

Blueprint Genetics
Classification: Uncertain significance. Last evaluated: 2024-08-12. Review status: criteria provided, single submitter. Criteria: ACMG Guidelines, 2015. Collection method: clinical testing. Allele origin: germline.

Laboratory of Prof. Karen Avraham, Tel Aviv University
Classification: Pathogenic for Autosomal dominant nonsyndromic hearing loss 6. Last evaluated: 2024-06-13. Review status: criteria provided, single submitter. Criteria: ACMG Guidelines, 2015. Collection method: research. Allele origin: germline. Affected: yes. Observed: 1 variant allele.
Comment: Pathogenic by Deafness Variation Databse

DFNA6; high-tone HL

GeneDx
Classification: Uncertain significance. Last evaluated: 2023-11-13. Review status: criteria provided, single submitter. Criteria: GeneDx Variant Classification Process June 2021. Collection method: clinical testing. Allele origin: germline. Affected: yes.
Comment: In silico analysis supports that this missense variant does not alter protein structure/function; Has not been previously published as pathogenic or benign to our knowledge; This variant is associated with the following publications: (PMID: 34426522, 27124789)

Fulgent Genetics
Classification: Uncertain significance for Cataract 41; Type 2 diabetes mellitus; Wolfram syndrome 1; Autosomal dominant nonsyndromic hearing loss 6; Wolfram-like syndrome. Last evaluated: 2021-11-15. Review status: criteria provided, single submitter. Criteria: ACMG Guidelines, 2015. Collection method: clinical testing. Allele origin: unknown.

Genomic Medicine Center of Excellence, King Faisal Specialist Hospital and Research Centre
Classification: Uncertain significance. Last evaluated: 2016-09-28. Review status: criteria provided, single submitter. Criteria: ACMG Guidelines, 2015. Collection method: research. Allele origin: germline. Affected: yes.

PreventionGenetics, part of Exact Sciences
Classification: Uncertain significance for WFS1-related condition. Last evaluated: 2024-06-04. Review status: no assertion criteria provided. Collection method: clinical testing. Allele origin: germline. Not counted in ClinVar's aggregate classification.
Comment: The WFS1 c.862G>A variant is predicted to result in the amino acid substitution p.Val288Met. To our knowledge, this variant has not been reported in the literature in association with disease. This variant is reported in 0.0046% of alleles in individuals of European (Finnish) descent in gnomAD. At this time, the clinical significance of this variant is uncertain due to the absence of conclusive functional and genetic evidence.

NM_006005.3(WFS1):c.862G>A (p.Val288Met)

Gene: WFS1 (wolframin ER transmembrane glycoprotein; plus strand). Cytogenetic location: 4p16.1.
Variant type: single nucleotide variant.
Coding change: c.862G>A on transcript NM_006005.3 (MANE Select); coding-DNA position 862, G replaced by A.
Protein change: p.Val288Met; replaces valine 288 with methionine.
Molecular consequence: missense variant.
Genome position (GRCh38, 1-based): chr4:6,300,657, G>A. VCF-style: chr4-6300657-G-A. GRCh37 (hg19) VCF-style: chr4-6302384-G-A.
Other names: c.862G>A, p.Val288Met (NM_001145853.1); short protein forms V288M.
Identifiers: ClinVar variation 191322 (VCV000191322.11), dbSNP rs71537685, ClinGen allele CA236437.